The following is an entry in ClinVar:

ClinVar aggregate classification (germline): Uncertain significance (1 of 4 stars; one submission).

Submission:

Labcorp Genetics (formerly Invitae), Labcorp
Classification: Uncertain significance. Last evaluated: 2024-01-18. Review status: criteria provided, single submitter. Criteria: Invitae Variant Classification Sherloc (09022015). Collection method: clinical testing. Allele origin: germline.
Comment: This sequence change replaces isoleucine, which is neutral and non-polar, with valine, which is neutral and non-polar, at codon 821 of the COL7A1 protein (p.Ile821Val). This variant is not present in population databases (gnomAD no frequency). This variant has not been reported in the literature in individuals affected with COL7A1-related conditions. Advanced modeling of protein sequence and biophysical properties (such as structural, functional, and spatial information, amino acid conservation, physicochemical variation, residue mobility, and thermodynamic stability) performed at Invitae indicates that this missense variant is not expected to disrupt COL7A1 protein function with a negative predictive value of 95%. In summary, the available evidence is currently insufficient to determine the role of this variant in disease. Therefore, it has been classified as a Variant of Uncertain Significance.

NM_000094.4(COL7A1):c.2461A>G (p.Ile821Val)

Gene: COL7A1 (collagen type VII alpha 1 chain; minus strand). Cytogenetic location: 3p21.31.
Variant type: single nucleotide variant.
Coding change: c.2461A>G on transcript NM_000094.4 (MANE Select); coding-DNA position 2461, A replaced by G.
Protein change: p.Ile821Val; replaces isoleucine 821 with valine.
Molecular consequence: missense variant.
Genome position (GRCh38, 1-based): chr3:48,588,768, T>C on the plus strand (A>G on the coding strand, the complement: COL7A1 is on the minus strand). VCF-style: chr3-48588768-T-C. GRCh37 (hg19) VCF-style: chr3-48626201-T-C.
Other names: short protein forms I821V.
Identifiers: ClinVar variation 2872124 (VCV002872124.3), dbSNP rs965460617, ClinGen allele CA73987844.
Genomic context (GRCh38, chr3:48,588,768, plus strand): 5'-AGTAGCTGACTCCACCTTCGAGACCCCGGATCTCTGCAGAGTCTGTGTTTCCTGGGAGTA[T>C]CTGGTGCCTCATGGGGCCGCCTGGCCAGGTGGGCATACAGCAATGGTTAGGGGTGAGCAG-3'
Protein context (NP_000085.1, residues 811-831): RSEGGPMRHQ[Ile821Val]LPGNTDSAEI